The following is an entry in ClinVar:

NM_006950.3(SYN1):c.402G>C (p.Lys134Asn)

Gene: SYN1 (synapsin I; minus strand). Cytogenetic location: Xp11.23.
Variant type: single nucleotide variant.
Coding change: c.402G>C on transcript NM_006950.3 (MANE Select); coding-DNA position 402, G replaced by C.
Protein change: p.Lys134Asn; replaces lysine 134 with asparagine.
Molecular consequence: missense variant.
Genome position (GRCh38, 1-based): chrX:47,607,174, C>G on the plus strand (G>C on the coding strand, the complement: SYN1 is on the minus strand). VCF-style: chrX-47607174-C-G. GRCh37 (hg19) VCF-style: chrX-47466573-C-G.
Other names: c.402G>C, p.Lys134Asn (NM_133499.2); short protein forms K134N.
Identifiers: ClinVar variation 4888024 (VCV004888024.1).

ClinVar aggregate classification (germline): Uncertain significance (1 of 4 stars; one submission).

gnomAD v4.1: 1 of 1,211,412 alleles (0.000083%); highest among the groups gnomAD compares: Non-Finnish European, 0.00011%; no homozygotes.

Submission:

GeneDx
Classification: Uncertain significance. Last evaluated: 2026-03-03. Review status: criteria provided, single submitter. Criteria: GeneDx Variant Classification Process June 2021. Collection method: clinical testing. Allele origin: germline.
Comment: Not observed at significant frequency in large population cohorts (gnomAD); In silico analysis supports that this missense variant has a deleterious effect on protein structure/function; Has not been previously published as pathogenic or benign to our knowledge